The following is an entry in ClinVar:

NM_030943.4(AMN):c.1041_1044dup (p.Ser349fs)

Genes: AMN (amnion associated transmembrane protein; plus strand), LOC130056554 (ATAC-STARR-seq lymphoblastoid silent region 6136; plus strand). Cytogenetic location: 14q32.32.
Variant type: Duplication.
Coding change: c.1041_1044dup on transcript NM_030943.4 (MANE Select); coding-DNA positions 1041 to 1044, 4 bases duplicated (GGAG; older notation c.1041_1044dupGGAG).
Protein change: p.Ser349fs; shifts the reading frame from serine 349.
Molecular consequence: frameshift variant.
Genome position (GRCh38, 1-based): chr14:102,930,199-102,930,202, GGAG duplicated; duplicating any 4 consecutive bases within chr14:102,930,198-102,930,202 gives the same sequence; the c. name uses the placement nearest the transcript's 3' end. VCF-style (leftmost placement, unchanged base first): chr14-102930197-C-CGGGA. GRCh37 (hg19) VCF-style: chr14-103396534-C-CGGGA.
Other names: c.879_882dup, p.Ser295fs (NM_001425246.1); short protein forms S295fs, S349fs.
Identifiers: ClinVar variation 3361994 (VCV003361994.2).

ClinVar aggregate classification (germline): Likely pathogenic. Review status: criteria provided, multiple submitters, no conflicts (2 of 4 stars). 2 submissions from 2 submitters: Likely pathogenic (2). Last evaluated 2024-06-19.

Conditions:
Imerslund-Grasbeck syndrome type 2. Also called: MEGALOBLASTIC ANEMIA, NORWEGIAN TYPE; Imerslund-Gräsbeck syndrome 2; Megaloblastic anemia 1, Norwegian type. Identifiers: MedGen C4016948, MONDO:0100157, OMIM 618882.

Submissions (2):

Fulgent Genetics
Classification: Likely pathogenic for Imerslund-Grasbeck syndrome type 2. Last evaluated: 2024-06-19. Review status: criteria provided, single submitter. Criteria: ACMG Guidelines, 2015. Collection method: clinical testing. Allele origin: germline.

GeneDx
Classification: Likely pathogenic. Last evaluated: 2023-08-01. Review status: criteria provided, single submitter. Criteria: GeneDx Variant Classification Process June 2021. Collection method: clinical testing. Allele origin: germline. Affected: yes.
Comment: Has not been previously published as pathogenic or benign to our knowledge; This frameshift variant is predicted to result in the replacement of the last 105 amino acids with different amino acids, and a new termination codon cannot be predicted. The frameshift occurs within a previously identified mutational hotspot region from intron 8-11 of the protein that includes the transmembrane domain in exon 10 (Tanner SM et al., 2012). Another frameshift variant involving this position (c.1041_1042delinsCTC) has previously been reported in association with AMN-related megaloblastic anemia (Storm T et al., 2013).; Not observed at significant frequency in large population cohorts (gnomAD); This variant is associated with the following publications: (PMID: 24156255, 22929189)